The following is an entry in ClinVar:

NM_003742.4(ABCB11):c.1435-13_1435-8del

Gene: ABCB11 (ATP binding cassette subfamily B member 11; minus strand). Cytogenetic location: 2q31.1.
Variant type: Deletion.
Coding change: c.1435-13_1435-8del on transcript NM_003742.4 (MANE Select); 13 bases into the intron before coding-DNA position 1435 through 8 bases into the intron before coding-DNA position 1435, 6 bases deleted (CCATGC; older notation c.1435-13_1435-8delCCATGC).
Molecular consequence: intron variant.
Genome position (GRCh38, 1-based): chr2:168,972,058-168,972,063, GCATGG deleted on the plus strand (CCATGC on the coding strand, the reverse complement: ABCB11 is on the minus strand); deleting any 6 consecutive bases within chr2:168,972,058-168,972,066 gives the same sequence; the c. name uses the placement nearest the transcript's 3' end. VCF-style (leftmost placement, unchanged base first): chr2-168972057-AGCATGG-A. GRCh37 (hg19) VCF-style: chr2-169828567-AGCATGG-A.
Other names: c.1435-13_1435-8delCCATGC (NM_003742.4); c.1435-13_1435-8del (LRG_1199t1); c.1435-13_1435-8del6 (NM_003742.2).
Identifiers: ClinVar variation 402331 (VCV000402331.17), dbSNP rs748716950, ClinGen allele CA1951565.

ClinVar aggregate classification (germline): Conflicting classifications of pathogenicity. Review status: criteria provided, conflicting classifications (1 of 4 stars). 7 submissions from 7 submitters: Uncertain significance (4); Likely benign (2). 1 of the submissions does not count toward it. Last evaluated 2026-05-01.

Conditions:
ABCB11-related disorder. Also called: ABCB11-related condition.
Familial intrahepatic cholestasis. Identifiers: Orphanet 284385, MedGen CN296401, MONDO:0017290.
Progressive familial intrahepatic cholestasis type 2. Identifiers: Orphanet 79304, MedGen C3489789, MONDO:0011156, OMIM 601847.

Submissions (7):

PreventionGenetics, part of Exact Sciences
Classification: Uncertain significance for ABCB11-related condition. Last evaluated: 2026-05-01. Review status: criteria provided, single submitter. Criteria: ACMG Guidelines, 2015. Collection method: clinical testing. Allele origin: germline.
Comment: The ABCB11 c.1435-13_1435-8del6 variant is predicted to result in an intronic deletion. This variant is not predicted to interfere with splicing based on available splicing prediction programs (SpliceAI, Jaganathan et al. 2019. PubMed ID: 30661751). This variant has been reported in the compound heterozygous state in an individual with familial progressive intrahepatic cholestasis who developed pediatric hepatocellular carcinoma; however, pathogenicity was not established (Knisely et al. 2006. PubMed ID: 16871584). This variant is reported in 0.035% of alleles in individuals of European (Non-Finnish) descent in gnomAD. Although we suspect that this variant may be benign, at this time, the clinical significance of this variant is uncertain due to the absence of conclusive functional and genetic evidence.

Genomenon, Inc
Classification: Uncertain significance for Familial intrahepatic cholestasis. Last evaluated: 2026-04-14. Review status: criteria provided, single submitter. Criteria: Genomenon Sequence Variant Interpretation Standards - Updated. Collection method: curation. Allele origin: germline. Affected: yes.
Comment: ABCB11 c.1435-13_1435-8del is a deletion variant that affects the splice acceptor region of intron 13. This variant has been observed in at least one proband with an ABCB11-related disorder (PMID:16871584). It has been observed in trans with a pathogenic or likely pathogenic variant (PMID:16871584). It is absent or not present at a significant frequency in gnomAD. In silico models predict that this variant is not damaging. In conclusion, we classify ABCB11 c.1435-13_1435-8del as a variant of uncertain significance.

Labcorp Genetics (formerly Invitae), Labcorp
Classification: Likely benign. Last evaluated: 2025-12-14. Review status: criteria provided, single submitter. Criteria: Invitae Variant Classification Sherloc (09022015). Collection method: clinical testing. Allele origin: germline.

Women's Health and Genetics/Laboratory Corporation of America, LabCorp
Classification: Likely benign. Last evaluated: 2025-04-16. Review status: criteria provided, single submitter. Criteria: LabCorp Variant Classification Summary - May 2015. Collection method: clinical testing. Allele origin: germline.
Comment: Variant summary: ABCB11 c.1435-13_1435-8delCCATGC alters a nucleotide located at a position not widely known to affect splicing. Consensus agreement among computation tools predict no significant impact on normal splicing. However, these predictions have yet to be confirmed by functional studies. The variant allele was found at a frequency of 0.00019 in 246012 control chromosomes. This frequency is not significantly higher than estimated for a pathogenic variant in ABCB11 causing Familial Intrahepatic Cholestasis (0.00019 vs 0.0022), allowing no conclusion about variant significance. c.1435-13_1435-8delCCATGC has been observed in at least one individual affected with Familial Intrahepatic Cholestasis (Knisely_2006, Strautnieks_2008). These report(s) do not provide unequivocal conclusions about association of the variant with Familial Intrahepatic Cholestasis. To our knowledge, no experimental evidence demonstrating an impact on protein function has been reported. ClinVar contains an entry for this variant (Variation ID: 402331). Based on the evidence outlined above, the variant was classified as likely benign.

Eurofins Ntd Llc (ga)
Classification: Uncertain significance. Last evaluated: 2017-05-31. Review status: criteria provided, single submitter. Criteria: EGL Classification Definitions 2015. Collection method: clinical testing. Allele origin: germline. Observed: 1 variant allele, 1 heterozygote.

Laboratory for Molecular Medicine, Mass General Brigham Personalized Medicine
Classification: Uncertain significance. Last evaluated: 2016-03-28. Review status: criteria provided, single submitter. Criteria: LMM Criteria. Collection method: clinical testing. Allele origin: germline.
Comment: Variant identified in a genome or exome case(s) and assessed due to predicted null impact of the variant or pathogenic assertions in the literature or databases. Disclaimer: This variant has not undergone full assessment. The following are preliminary notes: LOF in gene is associated with intrahepatic cholestasis. Unclear whether it would impact splicing.

Natera, Inc.
Classification: Uncertain significance for Progressive familial intrahepatic cholestasis type 2. Last evaluated: 2020-02-24. Review status: no assertion criteria provided. Collection method: clinical testing. Allele origin: germline. Not counted in ClinVar's aggregate classification.

Literature cited by the submitters: PubMed 16871584 (cited by Genomenon, Inc and Women's Health and Genetics/Laboratory Corporation of America, LabCorp); PubMed 18395098 (cited by Women's Health and Genetics/Laboratory Corporation of America, LabCorp).